The following is an entry in ClinVar:

ClinVar aggregate classification (germline): Uncertain significance (1 of 4 stars; one submission).

Submission:

CeGaT Center for Human Genetics Tuebingen
Classification: Uncertain significance. Last evaluated: 2026-02-01. Review status: criteria provided, single submitter. Criteria: CeGaT Center For Human Genetics Tuebingen Variant Classification Criteria Version 2. Collection method: clinical testing. Allele origin: germline. Affected: yes. Observed: 1 variant allele.
Comment: POGZ: PM2, BP4

NM_015100.4(POGZ):c.2663A>G (p.Lys888Arg)

Gene: POGZ (pogo transposable element derived with ZNF domain; minus strand). Cytogenetic location: 1q21.3.
Variant type: single nucleotide variant.
Coding change: c.2663A>G on transcript NM_015100.4 (MANE Select); coding-DNA position 2663, A replaced by G.
Protein change: p.Lys888Arg; replaces lysine 888 with arginine.
Molecular consequence: missense variant.
Genome position (GRCh38, 1-based): chr1:151,406,372, T>C on the plus strand (A>G on the coding strand, the complement: POGZ is on the minus strand). VCF-style: chr1-151406372-T-C. GRCh37 (hg19) VCF-style: chr1-151378848-T-C.
Other names: c.2636A>G, p.Lys879Arg (NM_001194937.2); c.2477A>G, p.Lys826Arg (NM_001194938.2); c.2684A>G, p.Lys895Arg (NM_001410860.1); c.2378A>G, p.Lys793Arg (NM_145796.4); c.2504A>G, p.Lys835Arg (NM_207171.2); short protein forms K793R, K826R, K835R, K879R, K888R, K895R.
Identifiers: ClinVar variation 4823337 (VCV004823337.4).
Genomic context (GRCh38, chr1:151,406,372, plus strand): 5'-AGTGCTGGGGCTAAGGGAGTTAGTAGCTCTTCAGGCTCAGCTGGGGTGGCCCCCGCAGAT[T>C]TCACAGTGGCAGCTTTGTTAGTGGGGAAGGAAGGAGGAGGGTACATATTCTTCACGTTCC-3'
Protein context (NP_055915.2, residues 878-898): SFPTNKAATV[Lys888Arg]SAGATPAEPE